The following is an entry in ClinVar:

NM_000071.3(CBS):c.1145+9C>T

Gene: CBS (cystathionine beta-synthase; minus strand). Cytogenetic location: 21q22.3.
Variant type: single nucleotide variant.
Coding change: c.1145+9C>T on transcript NM_000071.3 (MANE Select); 9 bases into the intron after coding-DNA position 1145, C replaced by T.
Molecular consequence: intron variant.
Genome position (GRCh38, 1-based): chr21:43,060,432, G>A on the plus strand (C>T on the coding strand, the complement: CBS is on the minus strand). VCF-style: chr21-43060432-G-A. GRCh37 (hg19) VCF-style: chr21-44480542-G-A.
Other names: c.1145+9C>T (NM_001320298.2, NM_001178009.3, NM_001178008.3); c.830+9C>T (NM_001321072.1).
Identifiers: ClinVar variation 515075 (VCV000515075.13), dbSNP rs745997797, ClinGen allele CA321689608.

ClinVar aggregate classification (germline): Likely benign. Review status: criteria provided, multiple submitters, no conflicts (2 of 4 stars). 2 submissions from 2 submitters: Likely benign (2). Last evaluated 2024-08-04.

Conditions:
HYPERHOMOCYSTEINEMIA, THROMBOTIC, CBS-RELATED. Identifiers: MedGen C3150344, OMIM 236200.

Allele frequency attached by ClinVar (database versions not stated): ExAC 0.00003; TOPMed 0.00005; gnomAD exomes 0.00001.

Submissions (2):

Labcorp Genetics (formerly Invitae), Labcorp
Classification: Likely benign for HYPERHOMOCYSTEINEMIA, THROMBOTIC, CBS-RELATED. Last evaluated: 2024-08-04. Review status: criteria provided, single submitter. Criteria: Invitae Variant Classification Sherloc (09022015). Collection method: clinical testing. Allele origin: germline.

GeneDx
Classification: Likely benign. Last evaluated: 2018-01-24. Review status: criteria provided, single submitter. Criteria: GeneDx Variant Classification (06012015). Collection method: clinical testing. Allele origin: germline. Affected: yes.
Comment: This variant is considered likely benign or benign based on one or more of the following criteria: it is a conservative change, it occurs at a poorly conserved position in the protein, it is predicted to be benign by multiple in silico algorithms, and/or has population frequency not consistent with disease.